The following is an entry in ClinVar:

NM_007194.4(CHEK2):c.924G>A (p.Glu308=)

Gene: CHEK2 (checkpoint kinase 2; minus strand). Cytogenetic location: 22q12.1.
Variant type: single nucleotide variant.
Coding change: c.924G>A on transcript NM_007194.4 (MANE Select); coding-DNA position 924, G replaced by A.
Protein change: p.Glu308=; no amino-acid change (glutamic acid 308 retained).
Molecular consequence: synonymous variant.
Genome position (GRCh38, 1-based): chr22:28,699,922, C>T on the plus strand (G>A on the coding strand, the complement: CHEK2 is on the minus strand). VCF-style: chr22-28699922-C-T. GRCh37 (hg19) VCF-style: chr22-29095910-C-T.
Other names: c.1053G>A, p.Glu351= (NM_001005735.3); c.261G>A, p.Glu87= (NM_001257387.3); c.723G>A, p.Glu241= (NM_001349956.3); c.924G>A, p.Glu308= (NM_145862.3).
Identifiers: ClinVar variation 823127 (VCV000823127.7), dbSNP rs1601739269, ClinGen allele CA513945053.

ClinVar aggregate classification (germline): Benign/Likely benign. Review status: criteria provided, multiple submitters, no conflicts (2 of 4 stars). 3 submissions from 3 submitters: Benign (1); Likely benign (2). Last evaluated 2024-10-04.

Conditions:
Familial cancer of breast. Also called: BREAST CANCER, FAMILIAL; Hereditary breast cancer; hereditary breast carcinoma. Identifiers: Orphanet 227535, MedGen C0346153, MONDO:0016419, OMIM 114480. Disease mechanism: loss of function.
Hereditary cancer-predisposing syndrome. Also called: Tumor predisposition; Hereditary Cancer Syndrome; Neoplastic Syndromes, Hereditary; Hereditary neoplastic syndrome. Identifiers: Orphanet 140162, MedGen C0027672, MeSH D009386, MONDO:0015356.

Allele frequency attached by ClinVar (database versions not stated): TOPMed below 0.00001.

Submissions (3):

Myriad Genetics, Inc.
Classification: Benign for Familial cancer of breast. Last evaluated: 2024-10-04. Review status: criteria provided, single submitter. Criteria: Myriad Autosomal Dominant, Autosomal Recessive and X-Linked Classification Criteria (2023). Collection method: clinical testing. Allele origin: unknown.
Comment: This variant is considered benign. This variant is a silent/synonymous amino acid change and it is not expected to impact splicing.

Labcorp Genetics (formerly Invitae), Labcorp
Classification: Likely benign for Familial cancer of breast. Last evaluated: 2024-09-29. Review status: criteria provided, single submitter. Criteria: Invitae Variant Classification Sherloc (09022015). Collection method: clinical testing. Allele origin: germline.

Ambry Genetics
Classification: Likely benign for Hereditary cancer-predisposing syndrome. Last evaluated: 2019-05-22. Review status: criteria provided, single submitter. Criteria: Ambry Variant Classification Scheme 2023. Collection method: clinical testing. Allele origin: germline.